The following is an entry in ClinVar:

ClinVar aggregate classification (germline): Uncertain significance (1 of 4 stars; one submission).

Submission:

CeGaT Center for Human Genetics Tuebingen
Classification: Uncertain significance. Last evaluated: 2023-10-01. Review status: criteria provided, single submitter. Criteria: CeGaT Center For Human Genetics Tuebingen Variant Classification Criteria Version 2. Collection method: clinical testing. Allele origin: germline. Affected: yes. Observed: 3 variant alleles.
Comment: FRMD7: PM2, PP3, PP4

NM_194277.3(FRMD7):c.1009T>G (p.Cys337Gly)

Gene: FRMD7 (FERM domain containing 7; minus strand). Cytogenetic location: Xq26.2.
Variant type: single nucleotide variant.
Coding change: c.1009T>G on transcript NM_194277.3 (MANE Select); coding-DNA position 1009, T replaced by G.
Protein change: p.Cys337Gly; replaces cysteine 337 with glycine.
Molecular consequence: missense variant.
Genome position (GRCh38, 1-based): chrX:132,080,047, A>C on the plus strand (T>G on the coding strand, the complement: FRMD7 is on the minus strand). VCF-style: chrX-132080047-A-C. GRCh37 (hg19) VCF-style: chrX-131214075-A-C.
Other names: c.964T>G, p.Cys322Gly (NM_001306193.2); short protein forms C322G, C337G.
Identifiers: ClinVar variation 2583087 (VCV002583087.25), dbSNP rs2520714257, ClinGen allele CA414680050.